The following is an entry in ClinVar:

NM_000466.3(PEX1):c.1897C>T (p.Arg633Ter)

Gene: PEX1 (peroxisomal biogenesis factor 1; minus strand). Cytogenetic location: 7q21.2.
Variant type: single nucleotide variant.
Coding change: c.1897C>T on transcript NM_000466.3 (MANE Select); coding-DNA position 1897, C replaced by T.
Protein change: p.Arg633Ter; replaces arginine 633 with a stop codon.
Molecular consequence: nonsense.
Genome position (GRCh38, 1-based): chr7:92,506,251, G>A on the plus strand (C>T on the coding strand, the complement: PEX1 is on the minus strand). VCF-style: chr7-92506251-G-A. GRCh37 (hg19) VCF-style: chr7-92135565-G-A.
Other names: c.1897C>T, p.Arg633Ter (NM_001282677.2); c.1273C>T, p.Arg425Ter (NM_001282678.2); short protein forms R633*, R425*.
Identifiers: ClinVar variation 550841 (VCV000550841.12), dbSNP rs61750409, ClinGen allele CA4341272.

ClinVar aggregate classification (germline): Pathogenic. Review status: criteria provided, multiple submitters, no conflicts (2 of 4 stars). 5 submissions from 5 submitters: Pathogenic (4). 1 of the submissions does not count toward it. Last evaluated 2024-08-21.

Conditions:
PEX1-related disorder. Also called: PEX1-related condition.
Heimler syndrome 1 (HMLR1). Also called: PEROXISOME BIOGENESIS DISORDER 1C. Identifiers: Orphanet 3220, MedGen C4551980, OMIM 234580, MONDO:0024544.
Zellweger spectrum disorders (ZS). Also called: Zellweger syndrome; Zellweger Spectrum Disorder; Zellweger Spectrum; Zellweger Spectrum Disorder (ZSD). Identifiers: Orphanet 912, MedGen C0043459, MONDO:0019609.
Peroxisome biogenesis disorder. Identifiers: Orphanet 79189, MedGen C1832200, MONDO:0019234. Disease mechanism: loss of function.
Peroxisome biogenesis disorder 1A (Zellweger) (PBD1A). Also called: Zellweger leukodystrophy; Peroxisome biogenesis disorder 1a. Identifiers: MedGen C4721541, MONDO:0008953, OMIM 214100.

Allele frequency attached by ClinVar (database versions not stated): gnomAD exomes below 0.00001 and 0.00001; TOPMed below 0.00001; ExAC 0.00001; gnomAD 0.00001.

Submissions (5):

Labcorp Genetics (formerly Invitae), Labcorp
Classification: Pathogenic for Zellweger spectrum disorders. Last evaluated: 2024-08-21. Review status: criteria provided, single submitter. Criteria: Invitae Variant Classification Sherloc (09022015). Collection method: clinical testing. Allele origin: germline.
Comment: This sequence change creates a premature translational stop signal (p.Arg633*) in the PEX1 gene. It is expected to result in an absent or disrupted protein product. Loss-of-function variants in PEX1 are known to be pathogenic (PMID: 21031596, 26387595, 31831025). The frequency data for this variant in the population databases is considered unreliable, as metrics indicate poor data quality at this position in the gnomAD database. This premature translational stop signal has been observed in individual(s) with PEX1-related conditions (PMID: 11439091). ClinVar contains an entry for this variant (Variation ID: 550841). Algorithms developed to predict the effect of sequence changes on RNA splicing suggest that this variant may disrupt the consensus splice site. For these reasons, this variant has been classified as Pathogenic.

Baylor Genetics
Classification: Pathogenic for Heimler syndrome 1. Last evaluated: 2023-10-29. Review status: criteria provided, single submitter. Criteria: ACMG Guidelines, 2015. Collection method: clinical testing. Allele origin: unknown.

PreventionGenetics, part of Exact Sciences
Classification: Pathogenic for PEX1-related condition. Last evaluated: 2023-01-03. Review status: criteria provided, single submitter. Criteria: ACMG Guidelines, 2015. Collection method: clinical testing. Allele origin: germline.
Comment: The PEX1 c.1897C>T variant is predicted to result in premature protein termination (p.Arg633*). This variant has been reported in patients with PEX1-related disorders (Patient E-13 in Tamura et al. 2001. PubMed ID: 11439091; Abualsaud et al. 2020. PubMed ID: 32949114; Shamseldin et al. 2021. PubMed ID: 34645488; Rosewich et al. 2005. PubMed ID: 16141001). This variant is reported in 0.00088% of alleles in individuals of European (Non-Finnish) descent in gnomAD. Nonsense variants in PEX1 are expected to be pathogenic. This variant is interpreted as pathogenic.

Women's Health and Genetics/Laboratory Corporation of America, LabCorp
Classification: Pathogenic for Peroxisome biogenesis disorder. Last evaluated: 2022-12-19. Review status: criteria provided, single submitter. Criteria: LabCorp Variant Classification Summary - May 2015. Collection method: clinical testing. Allele origin: germline.
Comment: Variant summary: PEX1 c.1897C>T (p.Arg633X) results in a premature termination codon, predicted to cause a truncation of the encoded protein or absence of the protein due to nonsense mediated decay, which are commonly known mechanisms for disease. Truncations downstream of this position have been classified as pathogenic by our laboratory. The variant allele was found at a frequency of 4e-06 in 251234 control chromosomes. c.1897C>T has been reported in the literature in individuals affected with Peroxisome Biogenesis Disorder/Zellweger syndrome (example, Piscosquito_2016, Rosewich_2005, Tamura_2001, Alshenaifi_2019). These data indicate that the variant is likely to be associated with disease. Two clinical diagnostic laboratories have submitted clinical-significance assessments for this variant to ClinVar after 2014 without evidence for independent evaluation. All laboratories classified the variant as pathogenic/likely pathogenic. Based on the evidence outlined above, the variant was classified as pathogenic.

Counsyl
Classification: Likely pathogenic for Peroxisome biogenesis disorder 1A (Zellweger). Last evaluated: 2017-02-24. Review status: no assertion criteria provided. Collection method: clinical testing. Allele origin: unknown. Not counted in ClinVar's aggregate classification.

Literature cited by the submitters: PubMed 21031596 (cited by Labcorp Genetics (formerly Invitae), Labcorp and Women's Health and Genetics/Laboratory Corporation of America, LabCorp); PubMed 26387595 (cited by Labcorp Genetics (formerly Invitae), Labcorp); PubMed 31831025 (cited by Labcorp Genetics (formerly Invitae), Labcorp); PubMed 11439091 (cited by 3 submitters); PubMed 16086329 (cited by Women's Health and Genetics/Laboratory Corporation of America, LabCorp); PubMed 16141001 (cited by Women's Health and Genetics/Laboratory Corporation of America, LabCorp); PubMed 27231023 (cited by Women's Health and Genetics/Laboratory Corporation of America, LabCorp); PubMed 30561787 (cited by Women's Health and Genetics/Laboratory Corporation of America, LabCorp).